The following is an entry in ClinVar:

NM_018335.6(ZNF839):c.829C>T (p.Leu277=)

Gene: ZNF839 (zinc finger protein 839; plus strand). Cytogenetic location: 14q32.31.
Variant type: single nucleotide variant.
Coding change: c.829C>T on transcript NM_018335.6 (MANE Select); coding-DNA position 829, C replaced by T.
Protein change: p.Leu277=; no amino-acid change (leucine 277 retained).
Molecular consequence: synonymous variant. On other transcripts: non-coding transcript variant (5).
Genome position (GRCh38, 1-based): chr14:102,326,525, C>T. VCF-style: chr14-102326525-C-T. GRCh37 (hg19) VCF-style: chr14-102792862-C-T.
Other names: c.481C>T, p.Leu161= (NM_001267827.2, NM_001267828.2, NM_001385069.1 and 5 more transcripts); c.829C>T, p.Leu277= (NM_001385065.1, NM_001385072.1, NM_001385073.1).
Identifiers: ClinVar variation 2644579 (VCV002644579.24), dbSNP rs45572332, ClinGen allele CA7356526.

ClinVar aggregate classification (germline): Likely benign (1 of 4 stars; one submission).

Allele frequency attached by ClinVar (database versions not stated): 1000 Genomes Project 0.00080; 1000 Genomes Project 30x 0.00109; ExAC 0.00323; TOPMed 0.00353; ESP Exome Variant Server 0.00358; gnomAD 0.00425; gnomAD exomes 0.00511.

Submission:

CeGaT Center for Human Genetics Tuebingen
Classification: Likely benign. Last evaluated: 2023-03-01. Review status: criteria provided, single submitter. Criteria: CeGaT Center For Human Genetics Tuebingen Variant Classification Criteria Version 2. Collection method: clinical testing. Allele origin: germline. Affected: yes. Observed: 1 variant allele.
Comment: ZNF839: BP4, BP7, BS2